The following continues an entry in ClinVar:

NM_014270.5(SLC7A9):c.313G>A (p.Gly105Arg)

Gene: SLC7A9. ClinVar aggregate classification (germline): Pathogenic/Likely pathogenic. Pathogenic (16); Likely pathogenic (3).

Submissions 17 to 22 of 22:

Illumina Laboratory Services, Illumina
Classification: Pathogenic for Cystinuria. Last evaluated: 2017-04-28. Review status: criteria provided, single submitter. Criteria: ICSL Variant Classification Criteria 09 May 2019. Collection method: clinical testing. Allele origin: germline.
Comment: Across a selection of the available literature, the SLC7A9 c.313G>A (p.Gly105Arg) variant has been identified in a homozygous state in at least eight patients with cystinuria, in a compound heterozygous state in four patients, in a heterozygous state in six patients, and in at least 37 additional patient alleles where zygosity is unspecified (Font et al. 2001; Font-LlitjÃ³s et al. 2005; Koulivand et al. 2015; Rhodes et al. 2015; Halbritter et al. 2015). It has also been observed in at least two patients who also carried variants in the SLC3A1 gene (Font-LlitjÃ³s et al. 2005; Rhodes et al. 2015). The p.Gly105Arg variant was absent from at least 100 control chromosomes (Font et al. 2001) and is reported at a frequency of 0.01402 in the Toscani in Italy population of the 1000 Genomes Project. Functional studies in HeLa cells showed the variant reduced protein expression and amino acid transport activity to ten percent of wild type (Font et al. 2001). The variant is located in a well-conserved residue. While cystinuria generally displays an autosomal recessive mode of inheritance, some heterozygous carriers of variants in the SLC7A9 gene have abnormal urinary amino acid patterns and an increased risk of kidney stones (Eggermann et al. 2012). Based on the collective evidence, the p.Gly105Arg variant is classified as pathogenic for cystinuria. This variant was observed by ICSL as part of a predisposition screen in an ostensibly healthy population.

Imagene.me medical diagnostic laboratory, IMAGENE.ME SA
Classification: Pathogenic for Cystinuria. Review status: criteria provided, single submitter. Criteria: IMAGENE.ME Variant Classification SOP 2022. Collection method: clinical testing. Allele origin: germline.
Comment: Classified according to the IMAGENE.ME variant classification SOP based on the ACMG guidelines as Pathogenic (P): PP4_Strong + PM1 + PP3_Moderate + PS3_Supporting + PP5 + PP1

Juno Genomics, Hangzhou Juno Genomics, Inc
Classification: Pathogenic for Cystinuria. Review status: criteria provided, single submitter. Criteria: ACMG Guidelines, 2015. Collection method: clinical testing. Allele origin: germline.
Comment: Absent from controls (or at extremely low frequency if recessive) in Genome Aggregation Database.;Multiple lines of computational evidence support a deleterious effect on the gene or gene product.;For recessive disorders, detected in trans with a pathogenic variant.;The prevalence of the variant in affected individuals is significantly increased compared to the prevalence in controls.;Patient's phenotype or family history is highly specific for a disease with a single genetic etiology.

PreventionGenetics, part of Exact Sciences
Classification: Pathogenic for SLC7A9-related condition. Last evaluated: 2024-09-20. Review status: no assertion criteria provided. Collection method: clinical testing. Allele origin: germline. Not counted in ClinVar's aggregate classification.
Comment: The SLC7A9 c.313G>A variant is predicted to result in the amino acid substitution p.Gly105Arg. This variant has been reported in the homozygous and heterozygous state in many individuals with cystinuria, non-type 1 resulting in nephrolithiasis (OMIM #220100; ICC. 1999. PubMed ID: 10471498; Font et al. 2001. PubMed ID: 11157794; Gucev et al. 2011. PubMed ID: 21677404; Halbritter et al. 2015. PubMed ID: 25296721). Functional studies indicate that the p.Gly105Arg protein variant only has 10% activity of the wild type protein which results in impaired cystine transport and a more severe urinary phenotype (Font et al. 2001. PubMed ID: 11157794). From a large cohort study, it was observed that individuals with a single pathogenic SLC7A9 variant had a mean onset of 30 years, whereas individuals with two pathogenic variants had a mean onset of 18 years (Halbritter et al. 2015. PubMed ID: 25296721). In summary, we classify the c.313G>A variant as pathogenic.

Sydney Genome Diagnostics, Children's Hospital Westmead
Classification: Pathogenic for Cystinuria. Last evaluated: 2019-01-23. Review status: no assertion criteria provided. Collection method: clinical testing. Allele origin: unknown. Affected: yes. Observed: 1 variant allele, 1 heterozygote. Not counted in ClinVar's aggregate classification.
Comment: This variant has been previously described multiple times in the literature as the most common variant in SLC7A9 to cause cystinuria (OMIM #604144). Individuals heterozygous for the p.(Gly105Arg) variant has variable hyperexcretion of cystine and dibasic amino acids, consistent with an autosomal dominant mode of inheritance with variable expressivity (Font-Llitjos et al 2005 J Med Genet 42: 58-68). This variant is considered to be pathogenic according to the ACMG guidelines.

OMIM
Classification: Pathogenic for CYSTINURIA. Last evaluated: 2005-01-01. Review status: no assertion criteria provided. Collection method: literature only. Allele origin: germline. Not counted in ClinVar's aggregate classification.

Literature cited by the submitters: PubMed 10471498 (cited by 4 submitters); PubMed 12036192 (cited by Labcorp Genetics (formerly Invitae), Labcorp and Dasa); PubMed 16138908 (cited by Labcorp Genetics (formerly Invitae), Labcorp and Dasa); PubMed 16225397 (cited by Labcorp Genetics (formerly Invitae), Labcorp and Dasa); PubMed 16834950 (cited by Labcorp Genetics (formerly Invitae), Labcorp and Dasa); PubMed 16838140 (cited by Labcorp Genetics (formerly Invitae), Labcorp and Dasa); PubMed 19782624 (cited by Labcorp Genetics (formerly Invitae), Labcorp and Dasa); PubMed 21677404 (cited by Labcorp Genetics (formerly Invitae), Labcorp and Dasa); PubMed 23532419 (cited by 3 submitters); PubMed 25296721 (cited by 4 submitters); PubMed 28717662 (cited by 3 submitters); PubMed 11157794 (cited by 4 submitters); PubMed 40794449 (cited by Rare Kidney Stone Consortium and the Mayo Clinic Hyperoxaluria Center, Mayo Clinic); PubMed 25964309 (cited by Mayo Clinic Laboratories, Mayo Clinic and Illumina Laboratory Services, Illumina); PubMed 33964006 (cited by Mayo Clinic Laboratories, Mayo Clinic); PubMed 34805638 (cited by Mayo Clinic Laboratories, Mayo Clinic); PubMed 28646536 (cited by Victorian Clinical Genetics Services, Murdoch Childrens Research Institute); PubMed 26123750 (cited by Illumina Laboratory Services, Illumina); PubMed 15635077 (cited by Illumina Laboratory Services, Illumina and OMIM).